The following is an entry in ClinVar:

ClinVar aggregate classification (germline): Pathogenic (1 of 4 stars; one submission).

Conditions:
Lynch syndrome 5 (LYNCH5). Also called: Colorectal cancer, hereditary nonpolyposis, type 5; Hereditary non-polyposis colorectal cancer, type 5. Identifiers: Orphanet 144, MedGen C1833477, MONDO:0013710, OMIM 614350. Disease mechanism: loss of function.

Submission:

Myriad Genetics, Inc.
Classification: Pathogenic for Lynch syndrome 5. Last evaluated: 2023-08-15. Review status: criteria provided, single submitter. Criteria: Myriad Autosomal Dominant, Autosomal Recessive and X-Linked Classification Criteria (2023). Collection method: clinical testing. Allele origin: unknown.
Comment: This variant is considered pathogenic. This variant creates a frameshift predicted to result in premature protein truncation.

NM_000179.3(MSH6):c.1641dup (p.Asp548fs)

Gene: MSH6 (mutS homolog 6; plus strand). Cytogenetic location: 2p16.3.
Variant type: Duplication.
Coding change: c.1641dup on transcript NM_000179.3 (MANE Select); coding-DNA position 1641, one base duplicated (A; older notation c.1641dupA).
Protein change: p.Asp548fs; shifts the reading frame from aspartic acid 548.
Molecular consequence: frameshift variant. On other transcripts: non-coding transcript variant (4), intron variant (2).
Genome position (GRCh38, 1-based): chr2:47,799,624, A duplicated; the last of 2 consecutive A bases (chr2:47,799,623-47,799,624); duplicating either gives the same sequence. VCF-style (leftmost placement, unchanged base first): chr2-47799622-G-GA. GRCh37 (hg19) VCF-style: chr2-48026761-G-GA.
Other names: c.1344dup, p.Asp449fs (NM_001406830.1, NM_001406797.1, NM_001406801.1 and 10 more transcripts); c.1606+35dup (NM_001406817.1); c.628-1042dup (NM_001407362.1); c.1251dup, p.Asp418fs (NM_001281492.2); c.735dup, p.Asp246fs (NM_001281493.2, NM_001281494.2, NM_001406811.1 and 6 more transcripts); c.1737dup, p.Asp580fs (NM_001406795.1, NM_001406802.1); c.1641dup, p.Asp548fs (NM_001406796.1, NM_001406798.1, NM_001406800.1 and 3 more transcripts); c.1116dup, p.Asp373fs (NM_001406799.1, NM_001406806.1, NM_001406807.1); and 3 more; short protein forms D246fs, D373fs, D418fs, D449fs, D492fs, D522fs, D548fs, D550fs.
Identifiers: ClinVar variation 2673738 (VCV002673738.1), dbSNP rs2530621638, ClinGen allele CA2695200609.
Genomic context (GRCh38, chr2:47,799,622, plus strand): 5'-CTGGAAGGTGATCCCTCTGAGAACTACAGTAAGTATCTTCTTAGCCTCAAAGAAAAAGAG[G>GA]AAGATTCTTCTGGCCATACTCGTGCATATGGTGTGTGCTTTGTTGATACTTCACTGGGAA-3'